The following is an entry in ClinVar:

ClinVar aggregate classification (germline): Benign. Review status: criteria provided, multiple submitters, no conflicts (2 of 4 stars). 3 submissions from 3 submitters: Benign (3). Last evaluated 2017-04-27.

Conditions:
3-methylcrotonyl-CoA carboxylase 1 deficiency (MCC1D). Also called: MCC 1 deficiency; 3 Alpha methylcrotonylglycinuria 1; MCCD TYPE 1; METHYLCROTONYLGLYCINURIA TYPE I. Identifiers: Orphanet 6, MedGen CN028786, MONDO:0008861, OMIM 210200.

Allele frequency attached by ClinVar (database versions not stated): ExAC 0.00189; ESP Exome Variant Server 0.00391; gnomAD 0.00433 and 0.00453; 1000 Genomes Project 0.00459; TOPMed 0.00486; 1000 Genomes Project 30x 0.00515.
gnomAD v4.1: 1,531 of 1,591,912 alleles (0.096%); highest among the groups gnomAD compares: African/African-American, 1.5%; 8 homozygotes.

Submissions (3):

Illumina Laboratory Services, Illumina
Classification: Benign for 3-methylcrotonyl-CoA carboxylase 1 deficiency. Last evaluated: 2017-04-27. Review status: criteria provided, single submitter. Criteria: ICSL Variant Classification Criteria 13 December 2019. Collection method: clinical testing. Allele origin: germline.
Comment: This variant was observed as part of a predisposition screen in an ostensibly healthy population. A literature search was performed for the gene, cDNA change, and amino acid change (where applicable). No publications were found based on this search. Allele frequency data from public databases was too high to be consistent with this variant causing disease. Therefore, this variant is classified as benign.

GeneDx
Classification: Benign. Last evaluated: 2014-04-04. Review status: criteria provided, single submitter. Criteria: GeneDx Variant Classification (06012015). Collection method: clinical testing. Allele origin: germline. Affected: yes.
Comment: This variant is considered likely benign or benign based on one or more of the following criteria: it is a conservative change, it occurs at a poorly conserved position in the protein, it is predicted to be benign by multiple in silico algorithms, and/or has population frequency not consistent with disease.

Breakthrough Genomics
Classification: Benign. Review status: criteria provided, single submitter. Criteria: ACMG Guidelines, 2015. Collection method: not provided. Allele origin: germline. Inheritance: Autosomal recessive inheritance. Affected: yes.

NM_020166.5(MCCC1):c.-25C>A

Genes: MCCC1 (methylcrotonyl-CoA carboxylase subunit 1; minus strand), LOC129938008 (ATAC-STARR-seq lymphoblastoid active region 20884; plus strand). Cytogenetic location: 3q27.1.
Variant type: single nucleotide variant.
Coding change: c.-25C>A on transcript NM_020166.5 (MANE Select); 25 bases upstream of the start codon, C replaced by A.
Molecular consequence: 5 prime UTR variant. On other transcripts: non-coding transcript variant (1).
Genome position (GRCh38, 1-based): chr3:183,099,465, G>T on the plus strand (C>A on the coding strand, the complement: MCCC1 is on the minus strand). VCF-style: chr3-183099465-G-T. GRCh37 (hg19) VCF-style: chr3-182817253-G-T.
Other names: c.-117C>A (NM_001293273.2); c.-215C>A (NM_001363880.1).
Identifiers: ClinVar variation 138180 (VCV000138180.6), dbSNP rs149741951, ClinGen allele CA292030.